The following is an entry in ClinVar:

ClinVar aggregate classification (germline): Likely benign. Review status: criteria provided, multiple submitters, no conflicts (2 of 4 stars). 2 submissions from 2 submitters: Likely benign (2). Last evaluated 2024-05-01.

Conditions:
Inborn genetic diseases. Identifiers: MedGen C0950123, MeSH D030342.

Allele frequency attached by ClinVar (database versions not stated): ExAC 0.00002; gnomAD 0.00004; TOPMed 0.00005.
gnomAD v4.1: 155 of 1,613,958 alleles (0.0096%); highest among the groups gnomAD compares: Non-Finnish European, 0.013%; no homozygotes.

Submissions (2):

CeGaT Center for Human Genetics Tuebingen
Classification: Likely benign. Last evaluated: 2024-05-01. Review status: criteria provided, single submitter. Criteria: CeGaT Center For Human Genetics Tuebingen Variant Classification Criteria Version 2. Collection method: clinical testing. Allele origin: germline. Affected: yes. Observed: 1 variant allele.
Comment: POGZ: BP4, BP7

Ambry Genetics
Classification: Likely benign for Inborn genetic diseases. Last evaluated: 2016-11-18. Review status: criteria provided, single submitter. Criteria: Ambry Variant Classification Scheme 2023. Collection method: clinical testing. Allele origin: germline.

NM_015100.4(POGZ):c.1446C>T (p.Ala482=)

Gene: POGZ (pogo transposable element derived with ZNF domain; minus strand). Cytogenetic location: 1q21.3.
Variant type: single nucleotide variant.
Coding change: c.1446C>T on transcript NM_015100.4 (MANE Select); coding-DNA position 1446, C replaced by T.
Protein change: p.Ala482=; no amino-acid change (alanine 482 retained).
Molecular consequence: synonymous variant.
Genome position (GRCh38, 1-based): chr1:151,424,026, G>A on the plus strand (C>T on the coding strand, the complement: POGZ is on the minus strand). VCF-style: chr1-151424026-G-A. GRCh37 (hg19) VCF-style: chr1-151396502-G-A.
Other names: c.1419C>T, p.Ala473= (NM_001194937.2); c.1260C>T, p.Ala420= (NM_001194938.2); c.1161C>T, p.Ala387= (NM_145796.4); c.1287C>T, p.Ala429= (NM_207171.2).
Identifiers: ClinVar variation 589703 (VCV000589703.24), dbSNP rs774407231, ClinGen allele CA1091439.